The following is an entry in ClinVar:

ClinVar aggregate classification (germline): Uncertain significance (1 of 4 stars; one submission).

Submission:

Labcorp Genetics (formerly Invitae), Labcorp
Classification: Uncertain significance. Last evaluated: 2025-02-25. Review status: criteria provided, single submitter. Criteria: Invitae Variant Classification Sherloc (09022015). Collection method: clinical testing. Allele origin: germline.
Comment: This sequence change replaces alanine, which is neutral and non-polar, with threonine, which is neutral and polar, at codon 279 of the KCNN4 protein (p.Ala279Thr). This variant is not present in population databases (gnomAD no frequency). This missense change has been observed in individual(s) with KCNN4-related conditions (PMID: 36864026). Invitae Evidence Modeling of protein sequence and biophysical properties (such as structural, functional, and spatial information, amino acid conservation, physicochemical variation, residue mobility, and thermodynamic stability) indicates that this missense variant is expected to disrupt KCNN4 protein function with a positive predictive value of 80%. In summary, the available evidence is currently insufficient to determine the role of this variant in disease. Therefore, it has been classified as a Variant of Uncertain Significance.

Literature cited by the submitters: PubMed 36864026.

NM_002250.3(KCNN4):c.835G>A (p.Ala279Thr)

Gene: KCNN4 (potassium calcium-activated channel subfamily N member 4; minus strand). Cytogenetic location: 19q13.31.
Variant type: single nucleotide variant.
Coding change: c.835G>A on transcript NM_002250.3 (MANE Select); coding-DNA position 835, G replaced by A.
Protein change: p.Ala279Thr; replaces alanine 279 with threonine.
Molecular consequence: missense variant.
Genome position (GRCh38, 1-based): chr19:43,769,814, C>T on the plus strand (G>A on the coding strand, the complement: KCNN4 is on the minus strand). VCF-style: chr19-43769814-C-T. GRCh37 (hg19) VCF-style: chr19-44273966-C-T.
Other names: short protein forms A279T.
Identifiers: ClinVar variation 4741203 (VCV004741203.1).